The following is an entry in ClinVar:

ClinVar aggregate classification (germline): Uncertain significance (1 of 4 stars; one submission).

Conditions:
Hereditary cancer-predisposing syndrome. Also called: Neoplastic Syndromes, Hereditary; Tumor predisposition; Hereditary Cancer Syndrome; Hereditary neoplastic syndrome. Identifiers: Orphanet 140162, MedGen C0027672, MeSH D009386, MONDO:0015356.

Submission:

Ambry Genetics
Classification: Uncertain significance for Hereditary cancer-predisposing syndrome. Last evaluated: 2019-11-11. Review status: criteria provided, single submitter. Criteria: Ambry Variant Classification Scheme 2023. Collection method: clinical testing. Allele origin: germline.
Comment: The p.G723D variant (also known as c.2168G>A), located in coding exon 4 of the MSH6 gene, results from a G to A substitution at nucleotide position 2168. The glycine at codon 723 is replaced by aspartic acid, an amino acid with similar properties. This amino acid position is not well conserved in available vertebrate species. In addition, this alteration is predicted to be tolerated by in silico analysis. Since supporting evidence is limited at this time, the clinical significance of this alteration remains unclear.

NM_000179.3(MSH6):c.2168G>A (p.Gly723Asp)

Gene: MSH6 (mutS homolog 6; plus strand). Cytogenetic location: 2p16.3.
Variant type: single nucleotide variant.
Coding change: c.2168G>A on transcript NM_000179.3 (MANE Select); coding-DNA position 2168, G replaced by A.
Protein change: p.Gly723Asp; replaces glycine 723 with aspartic acid.
Molecular consequence: missense variant.
Genome position (GRCh38, 1-based): chr2:47,800,151, G>A. VCF-style: chr2-47800151-G-A. GRCh37 (hg19) VCF-style: chr2-48027290-G-A.
Other names: c.1778G>A, p.Gly593Asp (NM_001281492.2); c.1262G>A, p.Gly421Asp (NM_001281493.2, NM_001281494.2); short protein forms G593D, G421D, G723D.
Identifiers: ClinVar variation 820815 (VCV000820815.4), dbSNP rs759403696, ClinGen allele CA346751166.